The following is an entry in ClinVar:

ClinVar aggregate classification (germline): Pathogenic/Likely pathogenic. Review status: criteria provided, multiple submitters, no conflicts (2 of 4 stars). 6 submissions from 6 submitters: Pathogenic (3); Likely pathogenic (3). Last evaluated 2025-09-15.

Conditions:
RARS2-related disorder. Also called: RARS2-related condition.
Pontocerebellar hypoplasia type 6 (PCH6). Identifiers: Orphanet 166073, MedGen C1969084, MONDO:0012683, OMIM 611523.

Allele frequency attached by ClinVar (database versions not stated): TOPMed below 0.00001; gnomAD exomes 0.00001.

Submissions (6):

Natera, Inc.
Classification: Pathogenic for Pontocerebellar hypoplasia, type 6. Last evaluated: 2025-09-15. Review status: criteria provided, single submitter. Criteria: Natera Variant Classification Schema (03/2026). Collection method: clinical testing. Allele origin: germline.
Comment: The c.1582_1583dupTT variant in RARS2 is a frameshift variant predicted to shift the reading frame beginning at codon 528 and leads to a stop codon 2 codons downstream. This variant is expected to result in nonsense mediated decay, truncation, or a dysfunctional protein product. This variant is rare in the general population with a frequency below the threshold expected for the associated phenotype(s). This variant has been observed in one or more individuals affected with the associated recessive disease, as either homozygous or compound heterozygous with a second variant (PMID: 33587123). Given the available evidence, this variant is classified as Pathogenic.

Baylor Genetics
Classification: Likely pathogenic for Pontocerebellar hypoplasia type 6. Last evaluated: 2024-02-12. Review status: criteria provided, single submitter. Criteria: ACMG Guidelines, 2015. Collection method: clinical testing. Allele origin: unknown.

Labcorp Genetics (formerly Invitae), Labcorp
Classification: Pathogenic. Last evaluated: 2023-08-24. Review status: criteria provided, single submitter. Criteria: Invitae Variant Classification Sherloc (09022015). Collection method: clinical testing. Allele origin: germline.
Comment: For these reasons, this variant has been classified as Pathogenic. ClinVar contains an entry for this variant (Variation ID: 215076). This premature translational stop signal has been observed in individual(s) with clinical features of RARS2-related conditions (PMID: 33587123). This variant is not present in population databases (gnomAD no frequency). This sequence change creates a premature translational stop signal (p.Leu528Phefs*2) in the RARS2 gene. It is expected to result in an absent or disrupted protein product. Loss-of-function variants in RARS2 are known to be pathogenic (PMID: 17847012, 22569581, 26083569).

PreventionGenetics, part of Exact Sciences
Classification: Likely pathogenic for RARS2-related condition. Last evaluated: 2023-07-18. Review status: criteria provided, single submitter. Criteria: ACMG Guidelines, 2015. Collection method: clinical testing. Allele origin: germline.
Comment: The RARS2 c.1582_1583dupTT variant is predicted to result in a frameshift and premature protein termination (p.Leu528Phefs*2). This variant was reported in the compound heterozygous state in an individual with pontocerebellar hypoplasia and additional congenital anomalies (Patient 17, Maron et al. 2021. PubMed ID: 33587123). This variant has not been reported in a large population database, indicating this variant is rare. Frameshift variants in RARS2 are expected to be pathogenic. This variant is interpreted as likely pathogenic.

Athena Diagnostics
Classification: Likely pathogenic. Last evaluated: 2019-10-03. Review status: criteria provided, single submitter. Criteria: Athena Diagnostics Criteria. Collection method: clinical testing. Allele origin: unknown.
Comment: This variant is expected to result in the loss of a functional protein. Variants in this gene have been associated with pontocerebellar hypoplasia, type 6 (MIM: 611523). The frequency of this variant in the general population is consistent with pathogenicity.This observation is not an independent occurrence and has been identified in the same individual by RCIGM, the other laboratory participating in the GEMINI study.

GeneDx
Classification: Pathogenic. Last evaluated: 2013-09-18. Review status: criteria provided, single submitter. Criteria: GeneDx Variant Classification (06012015). Collection method: clinical testing. Allele origin: germline. Affected: yes.
Comment: c.1582_1583dupTT: p.Leu528PhefsX2 (L528Ffsx2) in exon 18 of the RARS2 gene. The normal sequence with the bases that are duplicated in braces is: AACT{TT}AAGGT. The c.1582_1583dupTT mutation in the RARS2 gene causes a frameshift starting with codon Leucine 528, changes this amino acid to a Phenylalanine residue and creates a premature Stop codon at position 2 of the new reading frame, denoted p.Leu528PhefsX2. This mutation is predicted to cause loss of normal protein function either through protein truncation or nonsense-mediated mRNA decay. Although this mutation has not been previously reported to our knowledge, it is expected to be a pathogenic mutation. The variant is found in MITONUC-MITOP panel(s).

Literature cited by the submitters: PubMed 33587123 (cited by Natera, Inc. and Labcorp Genetics (formerly Invitae), Labcorp); PubMed 17847012 (cited by Labcorp Genetics (formerly Invitae), Labcorp); PubMed 22569581 (cited by Labcorp Genetics (formerly Invitae), Labcorp); PubMed 26083569 (cited by Labcorp Genetics (formerly Invitae), Labcorp).

NM_020320.5(RARS2):c.1582_1583dup (p.Leu528fs)

Gene: RARS2 (arginyl-tRNA synthetase 2, mitochondrial; minus strand). Cytogenetic location: 6q15.
Variant type: Duplication.
Coding change: c.1582_1583dup on transcript NM_020320.5 (MANE Select); coding-DNA positions 1582 to 1583, 2 bases duplicated (TT; older notation c.1582_1583dupTT).
Protein change: p.Leu528fs; shifts the reading frame from leucine 528.
Molecular consequence: frameshift variant. On other transcripts: non-coding transcript variant (23).
Genome position (GRCh38, 1-based): chr6:87,516,809-87,516,810, AA duplicated on the plus strand (TT on the coding strand, the reverse complement: RARS2 is on the minus strand); duplicating any 2 consecutive bases within chr6:87,516,809-87,516,811 gives the same sequence; the c. name uses the placement nearest the transcript's 3' end. VCF-style (leftmost placement, unchanged base first): chr6-87516808-T-TAA. GRCh37 (hg19) VCF-style: chr6-88226526-T-TAA.
Other names: c.1057_1058dup, p.Leu353fs (NM_001350511.2, NM_001318785.2, NM_001350506.2 and 4 more transcripts); c.1582_1583dupTT (NM_020320.4); c.1582_1583dup, p.Leu528fs (NM_001350505.2); short protein forms L528fs, L353fs.
Identifiers: ClinVar variation 215076 (VCV000215076.10), dbSNP rs863224183, ClinGen allele CA321043.